The following is an entry in ClinVar:

ClinVar aggregate classification (germline): Conflicting classifications of pathogenicity. Review status: criteria provided, conflicting classifications (1 of 4 stars). 2 submissions from 2 submitters: Uncertain significance (1); Likely benign (1). Last evaluated 2026-05-01.

Allele frequency attached by ClinVar (database versions not stated): gnomAD exomes below 0.00001; gnomAD 0.00001; TOPMed 0.00002.
gnomAD v4.1: 2 of 1,613,844 alleles (0.00012%); highest among the groups gnomAD compares: African/African-American, 0.0027%; no homozygotes.

Submissions (2):

CeGaT Center for Human Genetics Tuebingen
Classification: Likely benign. Last evaluated: 2026-05-01. Review status: criteria provided, single submitter. Criteria: CeGaT Center For Human Genetics Tuebingen Variant Classification Criteria Version 2. Collection method: clinical testing. Allele origin: germline. Affected: yes. Observed: 1 variant allele.
Comment: RAI1: BP4

Labcorp Genetics (formerly Invitae), Labcorp
Classification: Uncertain significance. Last evaluated: 2023-04-09. Review status: criteria provided, single submitter. Criteria: Invitae Variant Classification Sherloc (09022015). Collection method: clinical testing. Allele origin: germline.
Comment: This variant is not present in population databases (gnomAD no frequency). This variant has not been reported in the literature in individuals affected with RAI1-related conditions. Advanced modeling of protein sequence and biophysical properties (such as structural, functional, and spatial information, amino acid conservation, physicochemical variation, residue mobility, and thermodynamic stability) performed at Invitae indicates that this missense variant is not expected to disrupt RAI1 protein function. In summary, the available evidence is currently insufficient to determine the role of this variant in disease. Therefore, it has been classified as a Variant of Uncertain Significance. This sequence change replaces leucine, which is neutral and non-polar, with valine, which is neutral and non-polar, at codon 1408 of the RAI1 protein (p.Leu1408Val).

NM_030665.4(RAI1):c.4222T>G (p.Leu1408Val)

Gene: RAI1 (retinoic acid induced 1; plus strand). Cytogenetic location: 17p11.2.
Variant type: single nucleotide variant.
Coding change: c.4222T>G on transcript NM_030665.4 (MANE Select); coding-DNA position 4222, T replaced by G.
Protein change: p.Leu1408Val; replaces leucine 1408 with valine.
Molecular consequence: missense variant.
Genome position (GRCh38, 1-based): chr17:17,797,170, T>G. VCF-style: chr17-17797170-T-G. GRCh37 (hg19) VCF-style: chr17-17700484-T-G.
Other names: short protein forms L1408V.
Identifiers: ClinVar variation 2887648 (VCV002887648.5), dbSNP rs2032289429, ClinGen allele CA398556079.